The following is an entry in ClinVar:

NM_144687.4(NLRP12):c.1751CGC[1] (p.Pro585del)

Gene: NLRP12 (NLR family pyrin domain containing 12; minus strand). Cytogenetic location: 19q13.42.
Variant type: Microsatellite.
Coding change: c.1751CGC[1] on transcript NM_144687.4 (MANE Select); one copy of the 3-base unit CGC starting at c.1751; the reference has two copies in a row; one copy, 3 bases deleted.
Protein change: p.Pro585del; deletes proline 585.
Molecular consequence: inframe deletion.
Genome position (GRCh38, 1-based): chr19:53,809,903-53,809,905, GCG deleted on the plus strand (CGC on the coding strand, the reverse complement: NLRP12 is on the minus strand); deleting any 3 consecutive bases within chr19:53,809,903-53,809,908 gives the same sequence; the position shown is the placement nearest the transcript's 3' end. VCF-style (leftmost placement, unchanged base first): chr19-53809902-TGCG-T. GRCh37 (hg19) VCF-style: chr19-54313156-TGCG-T.
Other names: c.1751CGC[1], p.Pro585del (NM_001277126.2, NM_001277129.1); short protein forms P585del.
Identifiers: ClinVar variation 958662 (VCV000958662.9), dbSNP rs1568677341, ClinGen allele CA920135532.

ClinVar aggregate classification (germline): Uncertain significance (1 of 4 stars; one submission).

Conditions:
Familial cold autoinflammatory syndrome 2 (FCAS2). Identifiers: Orphanet 247868, MedGen C2673198, MONDO:0012724, OMIM 611762.

Submission:

Labcorp Genetics (formerly Invitae), Labcorp
Classification: Uncertain significance for Familial cold autoinflammatory syndrome 2. Last evaluated: 2025-09-15. Review status: criteria provided, single submitter. Criteria: Invitae Variant Classification Sherloc (09022015). Collection method: clinical testing. Allele origin: germline.
Comment: This variant, c.1754_1756del, results in the deletion of 1 amino acid(s) of the NLRP12 protein (p.Pro585del), but otherwise preserves the integrity of the reading frame. This variant is not present in population databases (gnomAD no frequency). This variant has not been reported in the literature in individuals affected with NLRP12-related conditions. ClinVar contains an entry for this variant (Variation ID: 958662). Experimental studies and prediction algorithms are not available or were not evaluated, and the functional significance of this variant is currently unknown. In summary, the available evidence is currently insufficient to determine the role of this variant in disease. Therefore, it has been classified as a Variant of Uncertain Significance.